The following is an entry in ClinVar:

NM_000321.3(RB1):c.842A>G (p.His281Arg)

Gene: RB1 (RB transcriptional corepressor 1; plus strand). Cytogenetic location: 13q14.2.
Variant type: single nucleotide variant.
Coding change: c.842A>G on transcript NM_000321.3 (MANE Select); coding-DNA position 842, A replaced by G.
Protein change: p.His281Arg; replaces histidine 281 with arginine.
Molecular consequence: missense variant.
Genome position (GRCh38, 1-based): chr13:48,362,938, A>G. VCF-style: chr13-48362938-A-G. GRCh37 (hg19) VCF-style: chr13-48937074-A-G.
Other names: c.842A>G, p.His281Arg (NM_001407165.1, NM_001407166.1); short protein forms H281R.
Identifiers: ClinVar variation 1763339 (VCV001763339.3), dbSNP rs2138112774, ClinGen allele CA388159648.
Genomic context (GRCh38, chr13:48,362,938, plus strand): 5'-CACGGATAGCAAAACAACTAGAAAATGATACAAGAATTATTGAAGTTCTCTGTAAAGAAC[A>G]TGAATGTAATATAGATGAGGTAATTTAACTTCATGATTTCTTTAAAACAGTTAAAGTAGA-3'
Protein context (NP_000312.2, residues 271-291): TRIIEVLCKE[His281Arg]ECNIDEVKNV

ClinVar aggregate classification (germline): Uncertain significance. Review status: criteria provided, multiple submitters, no conflicts (2 of 4 stars). 2 submissions from 2 submitters: Uncertain significance (2). Last evaluated 2023-02-24.

Conditions:
Hereditary cancer-predisposing syndrome. Also called: Neoplastic Syndromes, Hereditary; Tumor predisposition; Hereditary Cancer Syndrome; Hereditary neoplastic syndrome. Identifiers: Orphanet 140162, MedGen C0027672, MeSH D009386, MONDO:0015356.
Retinoblastoma (RB1). Also called: RETINOBLASTOMA, SOMATIC. Identifiers: Orphanet 790, MedGen C0035335, MeSH D012175, MONDO:0008380, OMIM 180200, HP:0009919. Disease mechanism: loss of function. Inheritance: Both sporadic and heritable forms are tested..

Submissions (2):

All of Us Research Program, National Institutes of Health
Classification: Uncertain significance for Retinoblastoma. Last evaluated: 2023-02-24. Review status: criteria provided, single submitter. Criteria: ACMG Guidelines, 2015. Collection method: clinical testing. Allele origin: germline. Inheritance: Autosomal dominant inheritance. Observed: 1 variant allele, 1 heterozygote.
Comment: This missense variant replaces histidine with arginine at codon 281 of the RB1 protein. Computational prediction is inconclusive regarding the impact of this variant on protein structure and function (internally defined REVEL score threshold 0.5 < inconclusive < 0.7, PMID: 27666373). To our knowledge, functional studies have not been reported for this variant. This variant has not been reported in individuals affected with RB1-related disorders in the literature. This variant has not been identified in the general population by the Genome Aggregation Database (gnomAD). The available evidence is insufficient to determine the role of this variant in disease conclusively. Therefore, this variant is classified as a Variant of Uncertain Significance.

This study involves interpretation of variants in research participants for the purpose of population health screening. Participant phenotype was not available at the time of variant classification. Additional details can be found in publication PMID: 35346344, PMCID: PMC8962531

Ambry Genetics
Classification: Uncertain significance for Hereditary cancer-predisposing syndrome. Last evaluated: 2021-02-23. Review status: criteria provided, single submitter. Criteria: Ambry Variant Classification Scheme 2023. Collection method: clinical testing. Allele origin: germline.
Comment: The p.H281R variant (also known as c.842A>G), located in coding exon 8 of the RB1 gene, results from an A to G substitution at nucleotide position 842. The histidine at codon 281 is replaced by arginine, an amino acid with highly similar properties. This amino acid position is well conserved in available vertebrate species. In addition, the in silico prediction for this alteration is inconclusive. Since supporting evidence is limited at this time, the clinical significance of this alteration remains unclear.